The following is an entry in ClinVar:

ClinVar aggregate classification (germline): Pathogenic (1 of 4 stars; one submission).

Conditions:
BCS1L-related disorder. Also called: BCS1L-related disorders; BCS1L-related condition. Identifiers: MedGen CN239240.

Submission:

Myriad Genetics, Inc.
Classification: Pathogenic for BCS1L-related disorder. Last evaluated: 2026-01-30. Review status: criteria provided, single submitter. Criteria: Myriad Autosomal Dominant, Autosomal Recessive and X-Linked Classification Criteria (2023). Collection method: clinical testing. Allele origin: unknown.
Comment: NM_004328.4(BCS1L):c.798_799ins14(N267Hfs*9) is a frameshift variant classified as pathogenic in the context of BCS1L-related disorders. N267Hfs*9 has not been observed in cases with relevant disease. Relevant functional assessments of this variant are not available in the literature. N267Hfs*9 has not been observed in referenced population frequency databases. In summary, NM_004328.4(BCS1L):c.798_799ins14(N267Hfs*9) is a frameshift variant in a gene where loss of function is a known mechanism of disease and is predicted to disrupt protein function. Please note: this variant was assessed in the context of healthy population screening.

NM_001079866.2(BCS1L):c.798_799insCACCGGCCTCCACC (p.Asn267fs)

Gene: BCS1L (BCS1 ubiquinol-cytochrome c reductase complex chaperone; plus strand). Cytogenetic location: 2q35.
Variant type: Insertion.
Coding change: c.798_799insCACCGGCCTCCACC on transcript NM_001079866.2 (MANE Select); coding-DNA positions 798 to 799, CACCGGCCTCCACC inserted.
Protein change: p.Asn267fs; shifts the reading frame from asparagine 267.
Molecular consequence: frameshift variant. On other transcripts: non-coding transcript variant (1).
Genome position: GRCh38 VCF-style: chr2-218662587-T-TCCACCGGCCTCCAC. GRCh37 (hg19) VCF-style: chr2-219527310-T-TCCACCGGCCTCCAC.
Other names: c.798_799insCACCGGCCTCCACC, p.Asn267fs (NM_001257342.2, NM_001257343.2, NM_001257344.2 and 10 more transcripts); c.438_439insCACCGGCCTCCACC, p.Asn147fs (NM_001318836.2, NM_001371451.1); c.297_298insCACCGGCCTCCACC, p.Asn100fs (NM_001371452.1, NM_001371453.1, NM_001371454.1 and 3 more transcripts); short protein forms N100fs, N147fs, N267fs.
Identifiers: ClinVar variation 1724751 (VCV001724751.3), dbSNP rs2469889765, ClinGen allele CA2580065746.